The following is an entry in ClinVar:

ClinVar aggregate classification (germline): Conflicting classifications of pathogenicity. Review status: criteria provided, conflicting classifications (1 of 4 stars). 19 submissions from 19 submitters: Uncertain significance (14); Likely benign (2). 3 of the submissions do not count toward it. Last evaluated 2026-02-01.

Conditions:
ATM-related cancer predisposition. Also called: ATM-related cancer susceptibility. Identifiers: MedGen CN377759, MONDO:0700270.
Hereditary cancer-predisposing syndrome. Also called: Hereditary Cancer Syndrome; Tumor predisposition; Neoplastic Syndromes, Hereditary; Hereditary neoplastic syndrome. Identifiers: Orphanet 140162, MedGen C0027672, MeSH D009386, MONDO:0015356.
Familial cancer of breast. Also called: hereditary breast carcinoma; BREAST CANCER, FAMILIAL; Hereditary breast cancer. Identifiers: Orphanet 227535, MedGen C0346153, MONDO:0016419, OMIM 114480. Disease mechanism: loss of function.
Malignant tumor of breast. Also called: Malignant breast neoplasm; Cancer breast. Identifiers: MedGen C0006142, MONDO:0007254. Disease mechanism: loss of function.
Ataxia-telangiectasia syndrome (AT). Also called: ATAXIA-TELANGIECTASIA, COMPLEMENTATION GROUP A; ATAXIA-TELANGIECTASIA, FRESNO VARIANT; Ataxia-telangiectasia; Ataxia-telangiectasia, complementation group E; Cerebello-oculocutaneous telangiectasia; Immunodeficiency with ataxia telangiectasia. Identifiers: Orphanet 100, MedGen C0004135, MONDO:0008840, OMIM 208900.

Allele frequency attached by ClinVar (database versions not stated): TOPMed 0.00002.
gnomAD v4.1: 37 of 1,614,002 alleles (0.0023%); highest among the groups gnomAD compares: Non-Finnish European, 0.0025%; no homozygotes.

Submissions 1 to 15 of 19:

Labcorp Genetics (formerly Invitae), Labcorp
Classification: Uncertain significance for Ataxia-telangiectasia syndrome. Last evaluated: 2026-02-01. Review status: criteria provided, single submitter. Criteria: Invitae Variant Classification Sherloc (09022015). Collection method: clinical testing. Allele origin: germline.
Comment: This sequence change replaces glycine, which is neutral and non-polar, with glutamic acid, which is acidic and polar, at codon 2287 of the ATM protein (p.Gly2287Glu). This variant is present in population databases (rs1800061, gnomAD 0.006%). This missense change has been observed in individual(s) with colorectal cancer (PMID: 28135145). ClinVar contains an entry for this variant (Variation ID: 185012). Invitae Evidence Modeling of protein sequence and biophysical properties (such as structural, functional, and spatial information, amino acid conservation, physicochemical variation, residue mobility, and thermodynamic stability) indicates that this missense variant is not expected to disrupt ATM protein function with a negative predictive value of 95%. In summary, the available evidence is currently insufficient to determine the role of this variant in disease. Therefore, it has been classified as a Variant of Uncertain Significance.

Center for Genomic Medicine, Rigshospitalet, Copenhagen University Hospital
Classification: Uncertain significance. Last evaluated: 2025-12-29. Review status: criteria provided, single submitter. Criteria: ACMG Guidelines, 2015. Collection method: clinical testing. Allele origin: germline.
Comment: Classification criteria: BP4

CeGaT Center for Human Genetics Tuebingen
Classification: Likely benign. Last evaluated: 2025-04-01. Review status: criteria provided, single submitter. Criteria: CeGaT Center For Human Genetics Tuebingen Variant Classification Criteria Version 2. Collection method: clinical testing. Allele origin: germline. Affected: yes. Observed: 2 variant alleles.
Comment: ATM: BS1:Supporting

Quest Diagnostics Nichols Institute San Juan Capistrano
Classification: Uncertain significance. Last evaluated: 2025-03-26. Review status: criteria provided, single submitter. Criteria: Quest Diagnostics criteria. Collection method: clinical testing. Allele origin: unknown.

Hema, HEMA – Genetic and Molecular Diagnostic Laboratory
Classification: Uncertain significance for ATM-related cancer predisposition. Last evaluated: 2025-03-04. Review status: criteria provided, single submitter. Criteria: HEMA Variant Classification Assertion Criteria. Collection method: clinical testing. Allele origin: germline.
Comment: It is a transition from guanine to adenine, which results in the substitution of glycine 2287 of the ATM protein with glutamic acid. BP4: The score of the computational metapredictor REVEL = 0.057 ≤ 0.249, indicating that the variant would not have an effect on the ATM protein.

Color Diagnostics, LLC DBA Color Health
Classification: Uncertain significance for Hereditary cancer-predisposing syndrome. Last evaluated: 2024-11-26. Review status: criteria provided, single submitter. Criteria: ACMG Guidelines, 2015. Collection method: clinical testing. Allele origin: germline.
Comment: This missense variant replaces glycine with glutamic acid at codon 2287 of the ATM protein. Computational prediction suggests that this variant may not impact protein structure and function. To our knowledge, functional studies have not been reported for this variant. This variant has been reported in individuals affected with breast or colorectal cancer (PMID: 28135145, 28338653, 33471991). This variant has been identified in 6/251222 chromosomes in the general population by the Genome Aggregation Database (gnomAD). The available evidence is insufficient to determine the role of this variant in disease conclusively. Therefore, this variant is classified as a Variant of Uncertain Significance.

Ambry Genetics
Classification: Likely benign for Hereditary cancer-predisposing syndrome. Last evaluated: 2024-10-28. Review status: criteria provided, single submitter. Criteria: Ambry Variant Classification Scheme 2023. Collection method: clinical testing. Allele origin: germline.

Blueprint Genetics
Classification: Uncertain significance. Last evaluated: 2024-10-10. Review status: criteria provided, single submitter. Criteria: ACMG Guidelines, 2015. Collection method: clinical testing. Allele origin: germline.

Baylor Genetics
Classification: Uncertain significance for Familial cancer of breast. Last evaluated: 2024-03-28. Review status: criteria provided, single submitter. Criteria: ACMG Guidelines, 2015. Collection method: clinical testing. Allele origin: unknown.

Revvity Omics, Revvity
Classification: Uncertain significance for Ataxia-telangiectasia syndrome. Last evaluated: 2023-12-21. Review status: criteria provided, single submitter. Criteria: ACMG Guidelines, 2015. Collection method: clinical testing. Allele origin: germline.

GeneDx
Classification: Uncertain significance. Last evaluated: 2023-08-23. Review status: criteria provided, single submitter. Criteria: GeneDx Variant Classification Process June 2021. Collection method: clinical testing. Allele origin: germline. Affected: yes.
Comment: Not observed at significant frequency in large population cohorts (gnomAD); In silico analysis supports that this missense variant does not alter protein structure/function; Identified in individuals with colorectal, breast, or other cancers (Yurgelun et al., 2017; Hauke et al., 2018; Lu et al., 2015); This variant is associated with the following publications: (PMID: 29522266, 28135145, 19781682, 28338653, 23532176, 11606401, 26689913)

Institute for Clinical Genetics, University Hospital TU Dresden, University Hospital TU Dresden
Classification: Uncertain significance. Last evaluated: 2021-11-03. Review status: criteria provided, single submitter. Criteria: ACMG Guidelines, 2015. Collection method: clinical testing. Allele origin: germline.

Genetic Services Laboratory, University of Chicago
Classification: Uncertain significance. Last evaluated: 2020-12-01. Review status: criteria provided, single submitter. Criteria: ACMG Guidelines, 2015. Collection method: clinical testing. Allele origin: germline. Affected: no.
Comment: DNA sequence analysis of the ATM gene demonstrated a sequence change, c.6860G>A, in exon 47 that results in an amino acid change, p.Gly2287Glu. This sequence change has been previously described in a patient with colorectal cancer (PMID: 28135145). This sequence change has been described in the gnomAD database with a low population frequency of 0.0024% (dbSNP rs1800061). The p.Gly2287Glu change affects a moderately conserved amino acid residue located in a domain of the ATM protein that is known to be functional. The p.Gly2287Glu substitution appears to be benign using several in-silico pathogenicity prediction tools (SIFT, PolyPhen2, Align GVGD, REVEL). Due to these contrasting evidences and the lack of functional studies, the clinical significance of the p.Gly2287Glu change remains unknown at this time.

Women's Health and Genetics/Laboratory Corporation of America, LabCorp
Classification: Uncertain significance. Last evaluated: 2020-06-29. Review status: criteria provided, single submitter. Criteria: LabCorp Variant Classification Summary - May 2015. Collection method: clinical testing. Allele origin: germline.
Comment: Variant summary: ATM c.6860G>A (p.Gly2287Glu) results in a non-conservative amino acid change located in the PIK-related kinase, FAT domain (IPR003151) of the encoded protein sequence. Three of five in-silico tools predict a benign effect of the variant on protein function. The variant allele was found at a frequency of 2.4e-05 in 251222 control chromosomes (genomAD). The available data on variant occurrences in the general population are insufficient to allow any conclusion about variant significance. c.6860G>A has been reported in the literature in individuals affected with kidney renal clear cell carcinoma and colorectal cancer (Lu_2015, Yurelun_2017). These reports do not provide unequivocal conclusions about association of the variant with Ataxia-Telangiectasia. To our knowledge, no experimental evidence demonstrating an impact on protein function has been reported. Seven ClinVar submitters (evaluation after 2014) cite the variant as uncertain significance. Based on the evidence outlined above, the variant was classified as uncertain significance.

Mendelics
Classification: Uncertain significance for Ataxia-telangiectasia syndrome. Last evaluated: 2018-07-02. Review status: criteria provided, single submitter. Criteria: Mendelics Assertion Criteria 2017. Collection method: clinical testing. Allele origin: unknown.

NM_000051.4(ATM):c.6860G>A (p.Gly2287Glu)

Genes: ATM (ATM serine/threonine kinase; plus strand), C11orf65 (chromosome 11 open reading frame 65; minus strand). Cytogenetic location: 11q22.3.
Variant type: single nucleotide variant.
Coding change: c.6860G>A on transcript NM_000051.4 (MANE Select); coding-DNA position 6860, G replaced by A.
Protein change: p.Gly2287Glu; replaces glycine 2287 with glutamic acid.
Molecular consequence: missense variant. On other transcripts: intron variant (2).
Genome position (GRCh38, 1-based): chr11:108,326,110, G>A. VCF-style: chr11-108326110-G-A. GRCh37 (hg19) VCF-style: chr11-108196837-G-A.
Other names: c.6860G>A, p.Gly2287Glu (NM_001351834.2); c.641-17039C>T (NM_001330368.2); c.*38+9110C>T (NM_001351110.2); short protein forms G2287E.
Identifiers: ClinVar variation 185012 (VCV000185012.57), dbSNP rs1800061, ClinGen allele CA190777.
Genomic context (GRCh38, chr11:108,326,110, plus strand): 5'-CATTTCAGCTCCCTGAAAGGGCAATATTTCAAATTAAACAGTACAATTCAGTTAGCTGTG[G>A]AGTCTCTGAGTGGCAGCTGGAAGAAGCACAAGTATTCTGGGCAAAAAAGGAGCAGAGTCT-3'
Protein context (NP_000042.3, residues 2277-2297): QIKQYNSVSC[Gly2287Glu]VSEWQLEEAQ